The following is an entry in ClinVar:

NM_001130987.2(DYSF):c.391G>C (p.Val131Leu)

Gene: DYSF (dysferlin; plus strand). Cytogenetic location: 2p13.2.
Variant type: single nucleotide variant.
Coding change: c.391G>C on transcript NM_001130987.2 (MANE Select); coding-DNA position 391, G replaced by C.
Protein change: p.Val131Leu; replaces valine 131 with leucine.
Molecular consequence: missense variant.
Genome position (GRCh38, 1-based): chr2:71,511,852, G>C. VCF-style: chr2-71511852-G-C. GRCh37 (hg19) VCF-style: chr2-71738982-G-C.
Other names: c.388G>C, p.Val130Leu (NM_003494.4, NM_001130977.2, NM_001130978.2 and 4 more transcripts); c.391G>C, p.Val131Leu (NM_001130982.2, NM_001130983.2, NM_001130984.2 and 3 more transcripts); short protein forms V130L, V131L.
Identifiers: ClinVar variation 2716505 (VCV002716505.3), dbSNP rs1379104543, ClinGen allele CA347205458.

ClinVar aggregate classification (germline): Uncertain significance (1 of 4 stars; one submission).

Conditions:
Neuromuscular disease caused by qualitative or quantitative defects of dysferlin. Also called: Dysferlinopathy; Qualitative or quantitative defects of dysferlin. Identifiers: Orphanet 207073, MedGen C2931687, MONDO:0016145.

Allele frequency attached by ClinVar (database versions not stated): gnomAD exomes below 0.00001; gnomAD 0.00001.
gnomAD v4.1: 2 of 1,551,622 alleles (0.00013%); highest among the groups gnomAD compares: Admixed American, 0.0039%; no homozygotes.

Submission:

Labcorp Genetics (formerly Invitae), Labcorp
Classification: Uncertain significance for Neuromuscular disease caused by qualitative or quantitative defects of dysferlin. Last evaluated: 2024-05-15. Review status: criteria provided, single submitter. Criteria: Invitae Variant Classification Sherloc (09022015). Collection method: clinical testing. Allele origin: germline.
Comment: This sequence change replaces valine, which is neutral and non-polar, with leucine, which is neutral and non-polar, at codon 130 of the DYSF protein (p.Val130Leu). This variant is present in population databases (no rsID available, gnomAD 0.004%). This variant has not been reported in the literature in individuals affected with DYSF-related conditions. Advanced modeling of protein sequence and biophysical properties (such as structural, functional, and spatial information, amino acid conservation, physicochemical variation, residue mobility, and thermodynamic stability) performed at Invitae indicates that this missense variant is not expected to disrupt DYSF protein function with a negative predictive value of 95%. In summary, the available evidence is currently insufficient to determine the role of this variant in disease. Therefore, it has been classified as a Variant of Uncertain Significance.